The following is an entry in ClinVar:

ClinVar aggregate classification (oncogenicity): Oncogenic (1 of 4 stars; one submission).

Conditions:
Meningioma. Also called: Meningioma, somatic. Identifiers: Orphanet 2495, MedGen C0025286, MONDO:0016642, HP:0002858.

Submission:

Dr. Guy Rouleau's laboratory, McGill University
Classification: Oncogenic for Meningioma. Last evaluated: 2025-03-30. Review status: criteria provided, single submitter. Criteria: ClinGen/CGC/VICC Guidelines for Oncogenicity, 2022. Collection method: research. Allele origin: somatic. Affected: yes.
Comment: This nonsense variant generates a premature translational stop signal (p.Gln344Ter) in the NF2 gene, which is expected to result in an absent or disrupted protein product. Loss-of-function variants in NF2 are well-established as pathogenic (PMIDs: 8755919, 9643284, 16983642). This somatic variant was identified in a paired tumor-blood sequencing study of meningiomas. It has also been reported in three cases of spinal meningiomas (PMID: 32724039). However, it has not been reported in population databases (gnomAD v2.1.1: no frequency).

NM_000268.4(NF2):c.1030C>T (p.Gln344Ter)

Gene: NF2 (NF2, moesin-ezrin-radixin like (MERLIN) tumor suppressor; plus strand). Cytogenetic location: 22q12.2.
Variant type: single nucleotide variant.
Coding change: c.1030C>T on transcript NM_000268.4 (MANE Select); coding-DNA position 1030, C replaced by T.
Protein change: p.Gln344Ter; replaces glutamine 344 with a stop codon.
Molecular consequence: nonsense. On other transcripts: intron variant (1).
Genome position (GRCh38, 1-based): chr22:29,671,856, C>T. VCF-style: chr22-29671856-C-T. GRCh37 (hg19) VCF-style: chr22-30067845-C-T.
Other names: c.1030C>T, p.Gln344Ter (NM_181832.3, NM_001407060.1, NM_001407066.1 and 2 more transcripts); c.448-22896C>T (NM_181833.3); c.916C>T, p.Gln306Ter (NM_001407053.1, NM_001407056.1); c.907C>T, p.Gln303Ter (NM_001407054.1, NM_001407058.1, NM_181829.3); c.904C>T, p.Gln302Ter (NM_001407055.1, NM_181828.3); c.895C>T, p.Gln299Ter (NM_001407057.1, NM_001407059.1); c.772C>T, p.Gln258Ter (NM_001407062.1); c.781C>T, p.Gln261Ter (NM_001407063.1, NM_001407064.1, NM_181830.3 and 1 more transcripts); and 2 more; short protein forms Q166*, Q258*, Q261*, Q267*, Q299*, Q302*, Q303*, Q306*.
Identifiers: ClinVar variation 3897742 (VCV003897742.1).